The following is an entry in ClinVar:

ClinVar aggregate classification (germline): Likely benign. Review status: criteria provided, multiple submitters, no conflicts (2 of 4 stars). 2 submissions from 2 submitters: Likely benign (2). Last evaluated 2021-03-24.

Conditions:
Nemaline myopathy 2 (NEM2). Also called: Nemaline myopathy 2, autosomal recessive. Identifiers: MedGen C1850569, MONDO:0009725, OMIM 256030.

Submissions (2):

Labcorp Genetics (formerly Invitae), Labcorp
Classification: Likely benign for Nemaline myopathy 2. Last evaluated: 2021-03-24. Review status: criteria provided, single submitter. Criteria: Invitae Variant Classification Sherloc (09022015). Collection method: clinical testing. Allele origin: germline.

GeneDx
Classification: Likely benign. Last evaluated: 2017-07-21. Review status: criteria provided, single submitter. Criteria: GeneDx Variant Classification (06012015). Collection method: clinical testing. Allele origin: germline. Affected: yes.
Comment: This variant is considered likely benign or benign based on one or more of the following criteria: it is a conservative change, it occurs at a poorly conserved position in the protein, it is predicted to be benign by multiple in silico algorithms, and/or has population frequency not consistent with disease.

NM_001164508.2(NEB):c.13477-9A>G

Gene: NEB (nebulin; minus strand). Cytogenetic location: 2q23.3.
Variant type: single nucleotide variant.
Coding change: c.13477-9A>G on transcript NM_001164508.2 (MANE Select); 9 bases into the intron before coding-DNA position 13477, A replaced by G.
Molecular consequence: intron variant.
Genome position (GRCh38, 1-based): chr2:151,600,762, T>C on the plus strand (A>G on the coding strand, the complement: NEB is on the minus strand). VCF-style: chr2-151600762-T-C. GRCh37 (hg19) VCF-style: chr2-152457276-T-C.
Other names: c.11601+9047A>G (NM_004543.5); c.13477-9A>G (NM_001164507.2, NM_001271208.2).
Identifiers: ClinVar variation 510788 (VCV000510788.9), dbSNP rs1553862786, ClinGen allele CA658795876.